The following is an entry in ClinVar:

ClinVar aggregate classification (germline): Uncertain significance (0 of 4 stars; one submission).

Conditions:
Familial cardiomyopathy. Identifiers: MedGen C0264789, MONDO:0005217.

Submission:

Evolutionary and Medical Genetics Laboratory,  Centre for Cellular and Molecular Biology
Classification: Uncertain significance. Review status: no assertion criteria provided. Collection method: not provided. Allele origin: unknown.
ClinVar note: Converted during submission from unknown to Uncertain significance.

NM_000257.4(MYH7):c.1889-27T>A

Gene: MYH7 (myosin heavy chain 7; minus strand). Cytogenetic location: 14q11.2.
Variant type: single nucleotide variant.
Coding change: c.1889-27T>A on transcript NM_000257.4 (MANE Select); 27 bases into the intron before coding-DNA position 1889, T replaced by A.
Molecular consequence: intron variant.
Genome position (GRCh38, 1-based): chr14:23,427,334, A>T on the plus strand (T>A on the coding strand, the complement: MYH7 is on the minus strand). VCF-style: chr14-23427334-A-T. GRCh37 (hg19) VCF-style: chr14-23896543-A-T.
Identifiers: ClinVar variation 132922 (VCV000132922.2), dbSNP rs606231327, ClinGen allele CA011417.